The following is an entry in ClinVar:

ClinVar aggregate classification (germline): Likely pathogenic (1 of 4 stars; one submission).

Conditions:
Hyper-IgM syndrome type 1. Also called: CD40 Ligand Deficiency; X-linked hyper-IgM syndrome; Immunodeficiency, X-linked, with hyper-IgM; Hyper-IgM Immunodeficiency Syndrome, Type 1. Identifiers: Orphanet 101088, MedGen C0398689, MONDO:0010626, OMIM 308230.

Submission:

Labcorp Genetics (formerly Invitae), Labcorp
Classification: Likely pathogenic for Hyper-IgM syndrome type 1. Last evaluated: 2018-10-31. Review status: criteria provided, single submitter. Criteria: Invitae Variant Classification Sherloc (09022015). Collection method: clinical testing. Allele origin: germline.
Comment: In summary, the currently available evidence indicates that the variant is pathogenic, but additional data are needed to prove that conclusively. Therefore, this variant has been classified as Likely Pathogenic. A different missense substitution at this codon (p.Thr254Met) has been determined to be pathogenic (PMID: 8889581, 10484640, 25541662). This suggests that the threonine residue is critical for CD40LG protein function and that other missense substitutions at this position may also be pathogenic. Algorithms developed to predict the effect of sequence changes on RNA splicing suggest that this variant may create or strengthen a splice site, but this prediction has not been confirmed by published transcriptional studies. Algorithms developed to predict the effect of missense changes on protein structure and function do not agree on the potential impact of this missense change (SIFT: "Deleterious"; PolyPhen-2: "Probably Damaging"; Align-GVGD: "Class C15"). This variant has has been reported to segregate with hyper IgM syndrome in a single family (Invitae). This variant is not present in population databases (ExAC no frequency). This sequence change replaces threonine with lysine at codon 254 of the CD40LG protein (p.Thr254Lys). The threonine residue is highly conserved and there is a moderate physicochemical difference between threonine and lysine.

Literature cited by the submitters: PubMed 8889581; PubMed 10484640; PubMed 25541662.

NM_000074.3(CD40LG):c.761C>A (p.Thr254Lys)

Gene: CD40LG (CD40 ligand; plus strand). Cytogenetic location: Xq26.3.
Variant type: single nucleotide variant.
Coding change: c.761C>A on transcript NM_000074.3 (MANE Select); coding-DNA position 761, C replaced by A.
Protein change: p.Thr254Lys; replaces threonine 254 with lysine.
Molecular consequence: missense variant.
Genome position (GRCh38, 1-based): chrX:136,659,390, C>A. VCF-style: chrX-136659390-C-A. GRCh37 (hg19) VCF-style: chrX-135741549-C-A.
Other names: short protein forms T254K.
Identifiers: ClinVar variation 530671 (VCV000530671.8), dbSNP rs193922136, ClinGen allele CA414757091.